The following is an entry in ClinVar:

ClinVar aggregate classification (germline): Uncertain significance. Review status: criteria provided, multiple submitters, no conflicts (2 of 4 stars). 3 submissions from 3 submitters: Uncertain significance (3). Last evaluated 2026-03-10.

Conditions:
RYR1-related disorder. Also called: RYR1-related disorders; RYR1-related condition. Identifiers: MedGen CN239331.
Malignant hyperthermia, susceptibility to, 1 (MHS1). Also called: RYR1-Related Malignant Hyperthermia Susceptibility; Malignant hyperthermia suceptibility 1; Anesthesia related hyperthermia; Malignant hyperpyrexia; Fulminating hyperpyrexia; Pharmacogenic myopathy. Identifiers: Orphanet 423, MedGen C2930980, MONDO:0007783, OMIM 145600.

gnomAD v4.1: 6 of 1,606,324 alleles (0.00037%); highest among the groups gnomAD compares: Non-Finnish European, 0.00051%; no homozygotes.

Submissions (3):

PreventionGenetics, part of Exact Sciences
Classification: Uncertain significance for RYR1-related condition. Last evaluated: 2026-03-10. Review status: criteria provided, single submitter. Criteria: ACMG Guidelines, 2015. Collection method: clinical testing. Allele origin: germline.
Comment: The RYR1 c.13477C>T variant is predicted to result in the amino acid substitution p.Pro4493Ser. To our knowledge, this variant has not been reported in the literature. This variant is reported in 0.0019% of alleles in individuals of European (non-Finnish) descent in gnomAD. At this time, the clinical significance of this variant is uncertain due to the absence of conclusive functional and genetic evidence.

Labcorp Genetics (formerly Invitae), Labcorp
Classification: Uncertain significance for RYR1-related disorder. Last evaluated: 2023-10-13. Review status: criteria provided, single submitter. Criteria: Invitae Variant Classification Sherloc (09022015). Collection method: clinical testing. Allele origin: germline.
Comment: This sequence change replaces proline, which is neutral and non-polar, with serine, which is neutral and polar, at codon 4493 of the RYR1 protein (p.Pro4493Ser). The frequency data for this variant in the population databases is considered unreliable, as metrics indicate poor data quality at this position in the gnomAD database. This variant has not been reported in the literature in individuals affected with RYR1-related conditions. ClinVar contains an entry for this variant (Variation ID: 2143730). Advanced modeling of protein sequence and biophysical properties (such as structural, functional, and spatial information, amino acid conservation, physicochemical variation, residue mobility, and thermodynamic stability) performed at Invitae indicates that this missense variant is not expected to disrupt RYR1 protein function. In summary, the available evidence is currently insufficient to determine the role of this variant in disease. Therefore, it has been classified as a Variant of Uncertain Significance.

All of Us Research Program, National Institutes of Health
Classification: Uncertain significance for Malignant hyperthermia, susceptibility to, 1. Last evaluated: 2023-10-02. Review status: criteria provided, single submitter. Criteria: ACMG Guidelines, 2015. Collection method: clinical testing. Allele origin: germline. Inheritance: Autosomal dominant inheritance. Observed: 1 variant allele, 1 heterozygote.
Comment: This missense variant replaces proline with serine at codon 4493 of the RYR1 protein. Computational prediction suggests that this variant may not impact protein structure and function (internally defined REVEL score threshold <= 0.5, PMID: 27666373). To our knowledge, functional studies have not been reported for this variant. This variant has not been reported in individuals affected with RYR1-related disorders in the literature. This variant has been identified in 2/234482 chromosomes in the general population by the Genome Aggregation Database (gnomAD). The available evidence is insufficient to determine the role of this variant in disease conclusively. Therefore, this variant is classified as a Variant of Uncertain Significance.

This study involves interpretation of variants in research participants for the purpose of population health screening. Participant phenotype was not available at the time of variant classification. Additional details can be found in publication PMID: 35346344, PMCID: PMC8962531

NM_000540.3(RYR1):c.13477C>T (p.Pro4493Ser)

Gene: RYR1 (ryanodine receptor 1; plus strand). Cytogenetic location: 19q13.2.
Variant type: single nucleotide variant.
Coding change: c.13477C>T on transcript NM_000540.3 (MANE Select); coding-DNA position 13477, C replaced by T.
Protein change: p.Pro4493Ser; replaces proline 4493 with serine.
Molecular consequence: missense variant.
Genome position (GRCh38, 1-based): chr19:38,566,950, C>T. VCF-style: chr19-38566950-C-T. GRCh37 (hg19) VCF-style: chr19-39057590-C-T.
Other names: c.13462C>T, p.Pro4488Ser (NM_001042723.2); short protein forms P4488S, P4493S.
Identifiers: ClinVar variation 2143730 (VCV002143730.7), dbSNP rs149455643, ClinGen allele CA059896.
Genomic context (GRCh38, chr19:38,566,950, plus strand): 5'-TGATGCTTGCCCTGTCCCTAGGTGGATGGAGTGGAGGAGGAGCTCCCGCCAGAGCCAGAG[C>T]CCGAGCCGGAACCAGAGCTGGAGCCGGAGAAAGCCGAGTGAGTGGCCTTGGGGCTGAGGG-3'
Protein context (NP_000531.2, residues 4483-4503): VEEELPPEPE[Pro4493Ser]EPEPELEPEK